The following is an entry in ClinVar:

ClinVar aggregate classification (germline): Uncertain significance (1 of 4 stars; one submission).

Conditions:
Ehlers-Danlos syndrome, classic type, 1 (EDSCL1). Also called: EHLERS-DANLOS SYNDROME, GRAVIS TYPE; EHLERS-DANLOS SYNDROME, SEVERE CLASSIC TYPE; Ehlers-Danlos syndrome, type 1; Ehlers-Danlos Syndrome, Classic Type, COL5A1-Related; EDS I. Identifiers: MedGen C0268335, MONDO:0019567, OMIM 130000.

Submission:

Labcorp Genetics (formerly Invitae), Labcorp
Classification: Uncertain significance for Ehlers-Danlos syndrome, classic type, 1. Last evaluated: 2023-07-13. Review status: criteria provided, single submitter. Criteria: Invitae Variant Classification Sherloc (09022015). Collection method: clinical testing. Allele origin: germline.
Comment: This sequence change replaces glutamic acid, which is acidic and polar, with lysine, which is basic and polar, at codon 649 of the COL5A2 protein (p.Glu649Lys). This variant is not present in population databases (gnomAD no frequency). This variant has not been reported in the literature in individuals affected with COL5A2-related conditions. Advanced modeling of protein sequence and biophysical properties (such as structural, functional, and spatial information, amino acid conservation, physicochemical variation, residue mobility, and thermodynamic stability) performed at Invitae indicates that this missense variant is not expected to disrupt COL5A2 protein function. Algorithms developed to predict the effect of sequence changes on RNA splicing suggest that this variant may disrupt the consensus splice site. In summary, the available evidence is currently insufficient to determine the role of this variant in disease. Therefore, it has been classified as a Variant of Uncertain Significance.

NM_000393.5(COL5A2):c.1945G>A (p.Glu649Lys)

Gene: COL5A2 (collagen type V alpha 2 chain; minus strand). Cytogenetic location: 2q32.2.
Variant type: single nucleotide variant.
Coding change: c.1945G>A on transcript NM_000393.5 (MANE Select); coding-DNA position 1945, G replaced by A.
Protein change: p.Glu649Lys; replaces glutamic acid 649 with lysine.
Molecular consequence: missense variant.
Genome position (GRCh38, 1-based): chr2:189,062,897, C>T on the plus strand (G>A on the coding strand, the complement: COL5A2 is on the minus strand). VCF-style: chr2-189062897-C-T. GRCh37 (hg19) VCF-style: chr2-189927623-C-T.
Other names: short protein forms E649K.
Identifiers: ClinVar variation 2722159 (VCV002722159.3), dbSNP rs2469294761, ClinGen allele CA349879071.
Genomic context (GRCh38, chr2:189,062,897, plus strand): 5'-CACACACACACACACAAAAATCACATACCGGCGGGCCCACAGGACCAGAAGGACCAACTT[C>T]ACCATCTTTTCCAGGAGCTCCCTAGTATCACACACAGATATTTGTGAGGTGAGTCTATGA-3'
Protein context (NP_000384.2, residues 639-659): GQRGAPGKDG[Glu649Lys]VGPSGPVGPP